The following is an entry in ClinVar:

NC_000007.14:g.129774701T>C

Gene: MIR96 (microRNA 96; minus strand). Cytogenetic location: 7q32.2.
Variant type: single nucleotide variant.
Molecular consequence: non-coding transcript variant (on NR_029512.1).
Genome position: GRCh38 VCF-style: chr7-129774701-T-C. GRCh37 (hg19) VCF-style: chr7-129414541-T-C.
Identifiers: ClinVar variation 2965048 (VCV002965048.3), dbSNP rs1004273883, ClinGen allele CA166832742.

ClinVar aggregate classification (germline): Uncertain significance (1 of 4 stars; one submission).

Submission:

Labcorp Genetics (formerly Invitae), Labcorp
Classification: Uncertain significance. Last evaluated: 2023-02-16. Review status: criteria provided, single submitter. Criteria: Invitae Variant Classification Sherloc (09022015). Collection method: clinical testing. Allele origin: germline.
Comment: This variant occurs in the MIR96 gene, which encodes an RNA molecule that does not result in a protein product. The frequency data for this variant in the population databases is considered unreliable, as metrics indicate poor data quality at this position in the gnomAD database. This variant has not been reported in the literature in individuals affected with MIR96-related conditions. Experimental studies and prediction algorithms are not available or were not evaluated, and the functional significance of this variant is currently unknown. In summary, the available evidence is currently insufficient to determine the role of this variant in disease. Therefore, it has been classified as a Variant of Uncertain Significance.